The following is an entry in ClinVar:

NM_005559.4(LAMA1):c.8455C>T (p.Pro2819Ser)

Gene: LAMA1 (laminin subunit alpha 1; minus strand). Cytogenetic location: 18p11.31.
Variant type: single nucleotide variant.
Coding change: c.8455C>T on transcript NM_005559.4 (MANE Select); coding-DNA position 8455, C replaced by T.
Protein change: p.Pro2819Ser; replaces proline 2819 with serine.
Molecular consequence: missense variant.
Genome position (GRCh38, 1-based): chr18:6,949,202, G>A on the plus strand (C>T on the coding strand, the complement: LAMA1 is on the minus strand). VCF-style: chr18-6949202-G-A. GRCh37 (hg19) VCF-style: chr18-6949201-G-A.
Other names: short protein forms P2819S.
Identifiers: ClinVar variation 2113323 (VCV002113323.4), dbSNP rs2057535537, ClinGen allele CA401837017.

ClinVar aggregate classification (germline): Uncertain significance (1 of 4 stars; one submission).

gnomAD v4.1: 2 of 1,614,172 alleles (0.00012%); highest among the groups gnomAD compares: Non-Finnish European, 0.00017%; no homozygotes.

Submission:

Labcorp Genetics (formerly Invitae), Labcorp
Classification: Uncertain significance. Last evaluated: 2024-03-11. Review status: criteria provided, single submitter. Criteria: Invitae Variant Classification Sherloc (09022015). Collection method: clinical testing. Allele origin: germline.
Comment: This sequence change replaces proline, which is neutral and non-polar, with serine, which is neutral and polar, at codon 2819 of the LAMA1 protein (p.Pro2819Ser). This variant is not present in population databases (gnomAD no frequency). This variant has not been reported in the literature in individuals affected with LAMA1-related conditions. ClinVar contains an entry for this variant (Variation ID: 2113323). Advanced modeling of protein sequence and biophysical properties (such as structural, functional, and spatial information, amino acid conservation, physicochemical variation, residue mobility, and thermodynamic stability) performed at Invitae indicates that this missense variant is not expected to disrupt LAMA1 protein function with a negative predictive value of 80%. In summary, the available evidence is currently insufficient to determine the role of this variant in disease. Therefore, it has been classified as a Variant of Uncertain Significance.